The following is an entry in ClinVar:

NM_001134232.2(TMEM106B):c.295A>G (p.Met99Val)

Gene: TMEM106B (transmembrane protein 106B; plus strand). Cytogenetic location: 7p21.3.
Variant type: single nucleotide variant.
Coding change: c.295A>G on transcript NM_001134232.2 (MANE Select); coding-DNA position 295, A replaced by G.
Protein change: p.Met99Val; replaces methionine 99 with valine.
Molecular consequence: missense variant.
Genome position (GRCh38, 1-based): chr7:12,224,239, A>G. VCF-style: chr7-12224239-A-G. GRCh37 (hg19) VCF-style: chr7-12263865-A-G.
Other names: c.295A>G, p.Met99Val (NM_018374.4); short protein forms M99V.
Identifiers: ClinVar variation 1690484 (VCV001690484.3), dbSNP rs2128525980, ClinGen allele CA366855106.

ClinVar aggregate classification (germline): Uncertain significance. Review status: criteria provided, multiple submitters, no conflicts (2 of 4 stars). 2 submissions from 2 submitters: Uncertain significance (2). Last evaluated 2025-02-10.

Allele frequency attached by ClinVar (database versions not stated): gnomAD exomes below 0.00001.
gnomAD v4.1: 1 of 1,613,386 alleles (0.000062%); highest among the groups gnomAD compares: Admixed American, 0.0017%; no homozygotes.

Submissions (2):

Labcorp Genetics (formerly Invitae), Labcorp
Classification: Uncertain significance. Last evaluated: 2025-02-10. Review status: criteria provided, single submitter. Criteria: Invitae Variant Classification Sherloc (09022015). Collection method: clinical testing. Allele origin: germline.
Comment: This sequence change replaces methionine, which is neutral and non-polar, with valine, which is neutral and non-polar, at codon 99 of the TMEM106B protein (p.Met99Val). This variant is not present in population databases (gnomAD no frequency). This variant has not been reported in the literature in individuals affected with TMEM106B-related conditions. ClinVar contains an entry for this variant (Variation ID: 1690484). Invitae Evidence Modeling of protein sequence and biophysical properties (such as structural, functional, and spatial information, amino acid conservation, physicochemical variation, residue mobility, and thermodynamic stability) indicates that this missense variant is not expected to disrupt TMEM106B protein function with a negative predictive value of 80%. In summary, the available evidence is currently insufficient to determine the role of this variant in disease. Therefore, it has been classified as a Variant of Uncertain Significance.

Laboratorio de Genetica e Diagnostico Molecular, Hospital Israelita Albert Einstein
Classification: Uncertain significance. Last evaluated: 2021-10-08. Review status: criteria provided, single submitter. Criteria: ACMG Guidelines, 2015. Collection method: clinical testing. Allele origin: germline. Affected: yes.
Comment: ACMG classification criteria: PM2, BP4